The following is an entry in ClinVar:

NM_004446.3(EPRS1):c.1912G>A (p.Asp638Asn)

Gene: EPRS1 (glutamyl-prolyl-tRNA synthetase 1; minus strand). Cytogenetic location: 1q41.
Variant type: single nucleotide variant.
Coding change: c.1912G>A on transcript NM_004446.3 (MANE Select); coding-DNA position 1912, G replaced by A.
Protein change: p.Asp638Asn; replaces aspartic acid 638 with asparagine.
Molecular consequence: missense variant.
Genome position (GRCh38, 1-based): chr1:220,006,144, C>T on the plus strand (G>A on the coding strand, the complement: EPRS1 is on the minus strand). VCF-style: chr1-220006144-C-T. GRCh37 (hg19) VCF-style: chr1-220179486-C-T.
Other names: c.1912G>A (NM_004446.2); short protein forms D638N.
Identifiers: ClinVar variation 2075325 (VCV002075325.3), dbSNP rs374312819, ClinGen allele CA1400143.

ClinVar aggregate classification (germline): Uncertain significance. Review status: criteria provided, multiple submitters, no conflicts (2 of 4 stars). 3 submissions from 3 submitters: Uncertain significance (3). Last evaluated 2024-09-03.

Conditions:
Inborn genetic diseases. Identifiers: MedGen C0950123, MeSH D030342.

Allele frequency attached by ClinVar (database versions not stated): ExAC 0.00007; ESP Exome Variant Server 0.00008.
gnomAD v4.1: 87 of 1,594,204 alleles (0.0055%); highest among the groups gnomAD compares: Non-Finnish European, 0.0071%; no homozygotes.

Submissions (3):

Ambry Genetics
Classification: Uncertain significance for Inborn genetic diseases. Last evaluated: 2024-09-03. Review status: criteria provided, single submitter. Criteria: Ambry Variant Classification Scheme 2023. Collection method: clinical testing. Allele origin: germline.

GeneDx
Classification: Uncertain significance. Last evaluated: 2022-06-21. Review status: criteria provided, single submitter. Criteria: GeneDx Variant Classification Process June 2021. Collection method: clinical testing. Allele origin: germline. Affected: yes.
Comment: In silico analysis supports that this missense variant has a deleterious effect on protein structure/function; Has not been previously published as pathogenic or benign to our knowledge; Variants in candidate genes are classified as variants of uncertain significance in accordance with ACMG guidelines (Richards et al., 2015)

Labcorp Genetics (formerly Invitae), Labcorp
Classification: Uncertain significance. Last evaluated: 2022-05-14. Review status: criteria provided, single submitter. Criteria: Invitae Variant Classification Sherloc (09022015). Collection method: clinical testing. Allele origin: germline.
Comment: This sequence change replaces aspartic acid, which is acidic and polar, with asparagine, which is neutral and polar, at codon 638 of the EPRS protein (p.Asp638Asn). This variant is present in population databases (rs374312819, gnomAD 0.01%). This variant has not been reported in the literature in individuals affected with EPRS-related conditions. Algorithms developed to predict the effect of missense changes on protein structure and function are either unavailable or do not agree on the potential impact of this missense change (SIFT: "Deleterious"; PolyPhen-2: "Probably Damaging"; Align-GVGD: "Class C0"). In summary, the available evidence is currently insufficient to determine the role of this variant in disease. Therefore, it has been classified as a Variant of Uncertain Significance.